The following is an entry in ClinVar:

ClinVar aggregate classification (germline): Likely pathogenic (1 of 4 stars; one submission).

Conditions:
Cohen syndrome (COH1). Also called: PEPPER SYNDROME; Cutis verticis gyrata, retinitis pigmentosa, and sensorineural deafness. Identifiers: Orphanet 193, MedGen C0265223, MONDO:0008999, OMIM 216550.

Submission:

Natera, Inc.
Classification: Likely pathogenic for Cohen syndrome. Last evaluated: 2025-11-25. Review status: criteria provided, single submitter. Criteria: Natera Variant Classification Schema (03/2026). Collection method: clinical testing. Allele origin: germline.
Comment: The c.11007del variant in VPS13B is a frameshift variant predicted to shift the reading frame beginning at codon 3669 and leads to a stop codon 14 codons downstream. This variant is expected to result in nonsense mediated decay, truncation, or a dysfunctional protein product. This variant is rare in the general population with a frequency below the threshold expected for the associated phenotype(s). Given the available evidence, this variant is classified as Likely Pathogenic.

NM_152564.5(VPS13B):c.10932del (p.Asn3644fs)

Gene: VPS13B (vacuolar protein sorting 13 homolog B; plus strand). Cytogenetic location: 8q22.2.
Variant type: Deletion.
Coding change: c.10932del on transcript NM_152564.5 (MANE Select); coding-DNA position 10932, one base deleted (C; older notation c.10932delC).
Protein change: p.Asn3644fs; shifts the reading frame from asparagine 3644.
Molecular consequence: frameshift variant.
Genome position (GRCh38, 1-based): chr8:99,859,368, C deleted. VCF-style (leftmost placement, unchanged base first): chr8-99859367-AC-A. GRCh37 (hg19) VCF-style: chr8-100871595-AC-A.
Other names: c.11007delC, p.Asn3669Lysfs (NM_017890.4); c.11007del, p.Asn3669fs (NM_017890.5); short protein forms N3644fs, N3669fs.
Identifiers: ClinVar variation 4815924 (VCV004815924.1).